The following is an entry in ClinVar:

NC_000023.11:g.(?_32614293)_(32816650_?)del

Gene: DMD (dystrophin; minus strand). Cytogenetic location: Xp21.1.
Variant type: Deletion.
Identifiers: ClinVar variation 831899 (VCV000831899.8).

ClinVar aggregate classification (germline): Pathogenic (1 of 4 stars; one submission).

Conditions:
Duchenne muscular dystrophy (DMD). Also called: Duchenne Muscular Dystrophy (DMD); MUSCULAR DYSTROPHY, PSEUDOHYPERTROPHIC PROGRESSIVE, DUCHENNE TYPE. Identifiers: Orphanet 98896, MedGen C0013264, MONDO:0010679, OMIM 310200.

Submission:

Labcorp Genetics (formerly Invitae), Labcorp
Classification: Pathogenic for Duchenne muscular dystrophy. Last evaluated: 2019-04-05. Review status: criteria provided, single submitter. Criteria: Invitae Variant Classification Sherloc (09022015). Collection method: clinical testing. Allele origin: germline.
Comment: Other deletions in this region have been determined to be pathogenic (PMID: 25482253, 16030524, 19937601). Therefore, deletions that fully encompass that region are also expected to be pathogenic. For these reasons, this variant has been classified as Pathogenic. This variant has been observed in an individual affected with Duchenne muscular dystrophy (PMID:¬†22776072). This variant is an in-frame deletion of the genomic region encompassing exons 6-12 of the DMD gene. It preserves the integrity of the reading frame.

Literature cited by the submitters: PubMed 25482253; PubMed 16030524; PubMed 19937601.